The following is an entry in ClinVar:

NM_001354604.2(MITF):c.738T>G (p.Asp246Glu)

Gene: MITF (melanocyte inducing transcription factor; plus strand). Cytogenetic location: 3p13.
Variant type: single nucleotide variant.
Coding change: c.738T>G on transcript NM_001354604.2 (MANE Select); coding-DNA position 738, T replaced by G.
Protein change: p.Asp246Glu; replaces aspartic acid 246 with glutamic acid.
Molecular consequence: missense variant.
Genome position (GRCh38, 1-based): chr3:69,941,307, T>G. VCF-style: chr3-69941307-T-G. GRCh37 (hg19) VCF-style: chr3-69990458-T-G.
Other names: c.417T>G, p.Asp139Glu (NM_000248.4, NM_198158.3); c.582T>G, p.Asp194Glu (NM_001184967.2, NM_001354608.2); c.735T>G, p.Asp245Glu (NM_001354605.2, NM_001354606.2, NM_006722.3); c.687T>G, p.Asp229Glu (NM_001354607.2); c.738T>G, p.Asp246Glu (NM_198159.3); c.690T>G, p.Asp230Glu (NM_198177.3); c.249T>G, p.Asp83Glu (NM_198178.3); short protein forms D229E, D139E, D194E, D230E, D245E, D246E, D83E.
Identifiers: ClinVar variation 1973284 (VCV001973284.6), dbSNP rs372810045, ClinGen allele CA2490449.
Genomic context (GRCh38, chr3:69,941,307, plus strand): 5'-AATCGATGACATCATTAGCCTAGAATCAAGTTATAATGAGGAAATCTTGGGCTTGATGGA[T>G]CCTGCTTTGCAAATGGCAAATACGGTATTGATAACCTTTTTTTAAGTAGAAAATCTTGAG-3'
Protein context (NP_001341533.1, residues 236-256): SYNEEILGLM[Asp246Glu]PALQMANTLP

ClinVar aggregate classification (germline): Uncertain significance. Review status: criteria provided, multiple submitters, no conflicts (2 of 4 stars). 3 submissions from 3 submitters: Uncertain significance (3). Last evaluated 2025-12-14.

Conditions:
Tietz syndrome (TADS). Also called: TIETZ ALBINISM-DEAFNESS SYNDROME; ALBINISM-DEAFNESS OF TIETZ; HYPOPIGMENTATION/DEAFNESS OF TIETZ. Identifiers: Orphanet 42665, MedGen C0391816, MONDO:0007077, OMIM 103500.
Waardenburg syndrome type 2A (WS2A). Also called: WAARDENBURG SYNDROME WITHOUT DYSTOPIA CANTHORUM. Identifiers: Orphanet 3440, MedGen C1860339, MONDO:0008671, OMIM 193510.
Melanoma, cutaneous malignant, susceptibility to, 8. Also called: Cutaneous malignant melanoma 8; MELANOMA AND RENAL CELL CARCINOMA, SUSCEPTIBILITY TO. Identifiers: Orphanet 293822, MedGen C3152204, MONDO:0013759, OMIM 614456.
Hereditary cancer-predisposing syndrome. Also called: Hereditary Cancer Syndrome; Neoplastic Syndromes, Hereditary; Tumor predisposition; Hereditary neoplastic syndrome. Identifiers: Orphanet 140162, MedGen C0027672, MeSH D009386, MONDO:0015356.

Submissions (3):

Labcorp Genetics (formerly Invitae), Labcorp
Classification: Uncertain significance for Melanoma, cutaneous malignant, susceptibility to, 8; Waardenburg syndrome type 2A; Tietz syndrome. Last evaluated: 2025-12-14. Review status: criteria provided, single submitter. Criteria: Invitae Variant Classification Sherloc (09022015). Collection method: clinical testing. Allele origin: germline.
Comment: This sequence change replaces aspartic acid, which is acidic and polar, with glutamic acid, which is acidic and polar, at codon 139 of the MITF protein (p.Asp139Glu). This variant is present in population databases (rs372810045, gnomAD 0.006%). This variant has not been reported in the literature in individuals affected with MITF-related conditions. ClinVar contains an entry for this variant (Variation ID: 1973284). Invitae Evidence Modeling of protein sequence and biophysical properties (such as structural, functional, and spatial information, amino acid conservation, physicochemical variation, residue mobility, and thermodynamic stability) indicates that this missense variant is not expected to disrupt MITF protein function with a negative predictive value of 80%. In summary, the available evidence is currently insufficient to determine the role of this variant in disease. Therefore, it has been classified as a Variant of Uncertain Significance.

Ambry Genetics
Classification: Uncertain significance for Hereditary cancer-predisposing syndrome. Last evaluated: 2024-12-07. Review status: criteria provided, single submitter. Criteria: Ambry Variant Classification Scheme 2023. Collection method: clinical testing. Allele origin: germline.
Comment: The p.D139E variant (also known as c.417T>G), located in coding exon 4 of the MITF gene, results from a T to G substitution at nucleotide position 417. The aspartic acid at codon 139 is replaced by glutamic acid, an amino acid with highly similar properties. This amino acid position is conserved. In addition, this alteration is predicted to be tolerated by in silico analysis. Based on the available evidence, the clinical significance of this variant remains unclear.

GeneDx
Classification: Uncertain significance. Last evaluated: 2022-09-26. Review status: criteria provided, single submitter. Criteria: GeneDx Variant Classification Process June 2021. Collection method: clinical testing. Allele origin: germline. Affected: yes.
Comment: In silico analysis supports that this missense variant does not alter protein structure/function; Has not been previously published as pathogenic or benign to our knowledge